The following is an entry in ClinVar:

NM_006904.7(PRKDC):c.1087A>G (p.Ile363Val)

Gene: PRKDC (protein kinase, DNA-activated, catalytic subunit; minus strand). Cytogenetic location: 8q11.21.
Variant type: single nucleotide variant.
Coding change: c.1087A>G on transcript NM_006904.7 (MANE Select); coding-DNA position 1087, A replaced by G.
Protein change: p.Ile363Val; replaces isoleucine 363 with valine.
Molecular consequence: missense variant.
Genome position (GRCh38, 1-based): chr8:47,939,577, T>C on the plus strand (A>G on the coding strand, the complement: PRKDC is on the minus strand). VCF-style: chr8-47939577-T-C. GRCh37 (hg19) VCF-style: chr8-48852137-T-C.
Other names: c.1087A>G (NM_006904.6); c.1087A>G, p.Ile363Val (NM_001081640.2); short protein forms I363V.
Identifiers: ClinVar variation 1498225 (VCV001498225.6), dbSNP rs775940255, ClinGen allele CA4741837.

ClinVar aggregate classification (germline): Uncertain significance. Review status: criteria provided, multiple submitters, no conflicts (2 of 4 stars). 2 submissions from 2 submitters: Uncertain significance (2). Last evaluated 2025-06-10.

Conditions:
Severe combined immunodeficiency due to DNA-PKcs deficiency. Also called: IMMUNODEFICIENCY 26 WITH NEUROLOGIC ABNORMALITIES; Immunodeficiency 26 with or without neurologic abnormalities. Identifiers: Orphanet 317425, MedGen C4014833, MONDO:0014423, OMIM 615966.

Allele frequency attached by ClinVar (database versions not stated): ExAC 0.00002; gnomAD 0.00002; TOPMed 0.00002.
gnomAD v4.1: 20 of 1,613,658 alleles (0.0012%); highest among the groups gnomAD compares: Non-Finnish European, 0.0016%; no homozygotes.

Submissions (2):

Ambry Genetics
Classification: Uncertain significance. Last evaluated: 2025-06-10. Review status: criteria provided, single submitter. Criteria: Ambry Variant Classification Scheme 2023. Collection method: clinical testing. Allele origin: germline.

Labcorp Genetics (formerly Invitae), Labcorp
Classification: Uncertain significance for Severe combined immunodeficiency due to DNA-PKcs deficiency. Last evaluated: 2022-08-08. Review status: criteria provided, single submitter. Criteria: Invitae Variant Classification Sherloc (09022015). Collection method: clinical testing. Allele origin: germline.
Comment: ClinVar contains an entry for this variant (Variation ID: 1498225). Experimental studies and prediction algorithms are not available or were not evaluated, and the functional significance of this variant is currently unknown. In summary, the available evidence is currently insufficient to determine the role of this variant in disease. Therefore, it has been classified as a Variant of Uncertain Significance. This variant has not been reported in the literature in individuals affected with PRKDC-related conditions. This sequence change replaces isoleucine, which is neutral and non-polar, with valine, which is neutral and non-polar, at codon 363 of the PRKDC protein (p.Ile363Val). This variant is present in population databases (rs775940255, gnomAD 0.003%).